The following is an entry in ClinVar:

NM_016292.3(TRAP1):c.1172T>C (p.Val391Ala)

Gene: TRAP1 (TNF receptor associated protein 1; minus strand). Cytogenetic location: 16p13.3.
Variant type: single nucleotide variant.
Coding change: c.1172T>C on transcript NM_016292.3 (MANE Select); coding-DNA position 1172, T replaced by C.
Protein change: p.Val391Ala; replaces valine 391 with alanine.
Molecular consequence: missense variant.
Genome position (GRCh38, 1-based): chr16:3,671,785, A>G on the plus strand (T>C on the coding strand, the complement: TRAP1 is on the minus strand). VCF-style: chr16-3671785-A-G. GRCh37 (hg19) VCF-style: chr16-3721786-A-G.
Other names: c.1172T>C (NM_016292.2); c.1013T>C, p.Val338Ala (NM_001272049.2); short protein forms V391A, V338A.
Identifiers: ClinVar variation 3715788 (VCV003715788.3).

ClinVar aggregate classification (germline): Uncertain significance. Review status: criteria provided, multiple submitters, no conflicts (2 of 4 stars). 2 submissions from 2 submitters: Uncertain significance (2). Last evaluated 2025-08-04.

gnomAD v4.1: 39 of 1,612,124 alleles (0.0024%); highest among the groups gnomAD compares: Middle Eastern, 0.033%; no homozygotes.

Submissions (2):

Ambry Genetics
Classification: Uncertain significance. Last evaluated: 2025-08-04. Review status: criteria provided, single submitter. Criteria: Ambry Variant Classification Scheme 2023. Collection method: clinical testing. Allele origin: germline.

Labcorp Genetics (formerly Invitae), Labcorp
Classification: Uncertain significance. Last evaluated: 2024-04-29. Review status: criteria provided, single submitter. Criteria: Invitae Variant Classification Sherloc (09022015). Collection method: clinical testing. Allele origin: germline.
Comment: This sequence change replaces valine, which is neutral and non-polar, with alanine, which is neutral and non-polar, at codon 391 of the TRAP1 protein (p.Val391Ala). This variant is present in population databases (rs11541713, gnomAD 0.004%). This variant has not been reported in the literature in individuals affected with TRAP1-related conditions. Advanced modeling of protein sequence and biophysical properties (such as structural, functional, and spatial information, amino acid conservation, physicochemical variation, residue mobility, and thermodynamic stability) performed at Invitae indicates that this missense variant is expected to disrupt TRAP1 protein function with a positive predictive value of 80%. In summary, the available evidence is currently insufficient to determine the role of this variant in disease. Therefore, it has been classified as a Variant of Uncertain Significance.